The following is an entry in ClinVar:

ClinVar aggregate classification (germline): Uncertain significance (1 of 4 stars; one submission).

gnomAD v4.1: 1 of 1,613,988 alleles (0.000062%); no homozygotes.

Submission:

Ambry Genetics
Classification: Uncertain significance. Last evaluated: 2024-09-21. Review status: criteria provided, single submitter. Criteria: Ambry Variant Classification Scheme 2023. Collection method: clinical testing. Allele origin: germline.
Comment: The p.L25V variant (also known as c.73T>G), located in coding exon 1 of the EGLN2 gene, results from a T to G substitution at nucleotide position 73. The leucine at codon 25 is replaced by valine, an amino acid with highly similar properties. This amino acid position is conserved. In addition, this alteration is predicted to be tolerated by in silico analysis. Based on the available evidence, the clinical significance of this variant remains unclear.

NM_080732.4(EGLN2):c.73T>G (p.Leu25Val)

Genes: EGLN2 (egl-9 family hypoxia inducible factor 2; plus strand), RAB4B-EGLN2 (RAB4B-EGLN2 readthrough (NMD candidate); plus strand). Cytogenetic location: 19q13.2.
Variant type: single nucleotide variant.
Coding change: c.73T>G on transcript NM_080732.4 (MANE Select); coding-DNA position 73, T replaced by G.
Protein change: p.Leu25Val; replaces leucine 25 with valine.
Molecular consequence: missense variant. On other transcripts: non-coding transcript variant (1).
Genome position (GRCh38, 1-based): chr19:40,800,645, T>G. VCF-style: chr19-40800645-T-G. GRCh37 (hg19) VCF-style: chr19-41306550-T-G.
Other names: c.73T>G, p.Leu25Val (NM_053046.4); short protein forms L25V.
Identifiers: ClinVar variation 3507287 (VCV003507287.1).